The following is an entry in ClinVar:

NM_018196.4(TMLHE):c.798T>C (p.Gly266=)

Gene: TMLHE (trimethyllysine hydroxylase, epsilon; minus strand). Cytogenetic location: Xq28.
Variant type: single nucleotide variant.
Coding change: c.798T>C on transcript NM_018196.4 (MANE Select); coding-DNA position 798, T replaced by C.
Protein change: p.Gly266=; no amino-acid change (glycine 266 retained).
Molecular consequence: synonymous variant.
Genome position (GRCh38, 1-based): chrX:155,507,095, A>G on the plus strand (T>C on the coding strand, the complement: TMLHE is on the minus strand). VCF-style: chrX-155507095-A-G. GRCh37 (hg19) VCF-style: chrX-154736756-A-G.
Other names: c.798T>C, p.Gly266= (NM_001184797.2).
Identifiers: ClinVar variation 749213 (VCV000749213.28), dbSNP rs782537274, ClinGen allele CA10569464.
Genomic context (GRCh38, chrX:155,507,095, plus strand): 5'-AGGTGCCTTTTGAAGTACCTGTTCTGCTGCATAGAATCCATCTACTAGCAGTGTCCTGCC[A>G]CCAGTTCCTTCATGTTTAAGACAATGAAACACTTGAATGCTAAAGAGAGAAAAGAAAATT-3'
Protein context (NP_060666.1, residues 256-276): VFHCLKHEGT[Gly266=]GRTLLVDGFY

ClinVar aggregate classification (germline): Likely benign. Review status: criteria provided, multiple submitters, no conflicts (2 of 4 stars). 3 submissions from 3 submitters: Likely benign (3). Last evaluated 2023-03-01.

Allele frequency attached by ClinVar (database versions not stated): ExAC 0.00005; gnomAD exomes 0.00005 and 0.00010; gnomAD 0.00006 and 0.00007; TOPMed 0.00008.
gnomAD v4.1: 109 of 1,207,808 alleles (0.009%); highest among the groups gnomAD compares: Middle Eastern, 0.023%; no homozygotes.

Submissions (3):

CeGaT Center for Human Genetics Tuebingen
Classification: Likely benign. Last evaluated: 2023-03-01. Review status: criteria provided, single submitter. Criteria: CeGaT Center For Human Genetics Tuebingen Variant Classification Criteria Version 2. Collection method: clinical testing. Allele origin: germline. Affected: yes. Observed: 1 variant allele.
Comment: TMLHE: BP4, BP7, BS2

Blueprint Genetics
Classification: Likely benign. Last evaluated: 2023-01-26. Review status: criteria provided, single submitter. Criteria: ACMG Guidelines, 2015. Collection method: clinical testing. Allele origin: germline.

Labcorp Genetics (formerly Invitae), Labcorp
Classification: Likely benign. Last evaluated: 2018-07-30. Review status: criteria provided, single submitter. Criteria: Invitae Variant Classification Sherloc (09022015). Collection method: clinical testing. Allele origin: germline.